The following is an entry in ClinVar:

NM_001369.3(DNAH5):c.8698A>G (p.Ile2900Val)

Gene: DNAH5 (dynein axonemal heavy chain 5; minus strand). Cytogenetic location: 5p15.2.
Variant type: single nucleotide variant.
Coding change: c.8698A>G on transcript NM_001369.3 (MANE Select); coding-DNA position 8698, A replaced by G.
Protein change: p.Ile2900Val; replaces isoleucine 2900 with valine.
Molecular consequence: missense variant.
Genome position (GRCh38, 1-based): chr5:13,786,301, T>C on the plus strand (A>G on the coding strand, the complement: DNAH5 is on the minus strand). VCF-style: chr5-13786301-T-C. GRCh37 (hg19) VCF-style: chr5-13786410-T-C.
Other names: short protein forms I2900V.
Identifiers: ClinVar variation 1414195 (VCV001414195.5), dbSNP rs747438706, ClinGen allele CA3202761.

ClinVar aggregate classification (germline): Uncertain significance (1 of 4 stars; one submission).

Conditions:
Primary ciliary dyskinesia. Also called: Ciliary dyskinesia. Identifiers: Orphanet 244, MedGen C0008780, MONDO:0016575, HP:0012265.

Allele frequency attached by ClinVar (database versions not stated): gnomAD exomes below 0.00001; ExAC 0.00001; gnomAD 0.00001.

Submission:

Labcorp Genetics (formerly Invitae), Labcorp
Classification: Uncertain significance for Primary ciliary dyskinesia. Last evaluated: 2024-10-15. Review status: criteria provided, single submitter. Criteria: Invitae Variant Classification Sherloc (09022015). Collection method: clinical testing. Allele origin: germline.
Comment: This sequence change replaces isoleucine, which is neutral and non-polar, with valine, which is neutral and non-polar, at codon 2900 of the DNAH5 protein (p.Ile2900Val). This variant is present in population databases (rs747438706, gnomAD no frequency). This variant has not been reported in the literature in individuals affected with DNAH5-related conditions. ClinVar contains an entry for this variant (Variation ID: 1414195). Invitae Evidence Modeling of protein sequence and biophysical properties (such as structural, functional, and spatial information, amino acid conservation, physicochemical variation, residue mobility, and thermodynamic stability) indicates that this missense variant is not expected to disrupt DNAH5 protein function with a negative predictive value of 95%. In summary, the available evidence is currently insufficient to determine the role of this variant in disease. Therefore, it has been classified as a Variant of Uncertain Significance.